The following is an entry in ClinVar:

NM_006231.4(POLE):c.1232T>C (p.Val411Ala)

Gene: POLE (DNA polymerase epsilon, catalytic subunit; minus strand). Cytogenetic location: 12q24.33.
Variant type: single nucleotide variant.
Coding change: c.1232T>C on transcript NM_006231.4 (MANE Select); coding-DNA position 1232, T replaced by C.
Protein change: p.Val411Ala; replaces valine 411 with alanine.
Molecular consequence: missense variant.
Genome position (GRCh38, 1-based): chr12:132,673,702, A>G on the plus strand (T>C on the coding strand, the complement: POLE is on the minus strand). VCF-style: chr12-132673702-A-G. GRCh37 (hg19) VCF-style: chr12-133250288-A-G.
Other names: short protein forms V411A.
Identifiers: ClinVar variation 405643 (VCV000405643.13), dbSNP rs1031999052, ClinGen allele CA16614014.

ClinVar aggregate classification (germline): Uncertain significance. Review status: criteria provided, multiple submitters, no conflicts (2 of 4 stars). 3 submissions from 3 submitters: Uncertain significance (3). Last evaluated 2026-01-08.

Conditions:
Colorectal cancer, susceptibility to, 12 (CRCS12). Also called: COLORECTAL CANCER, SUSCEPTIBILITY TO, ON CHROMOSOME 12q24. Identifiers: Orphanet 220460, MedGen C3554460, MONDO:0014038, OMIM 615083.
Hereditary cancer-predisposing syndrome. Also called: Neoplastic Syndromes, Hereditary; Tumor predisposition; Hereditary neoplastic syndrome; Hereditary Cancer Syndrome. Identifiers: Orphanet 140162, MedGen C0027672, MeSH D009386, MONDO:0015356.

Allele frequency attached by ClinVar (database versions not stated): gnomAD exomes 0.00001.
gnomAD v4.1: 11 of 1,613,626 alleles (0.00068%); highest among the groups gnomAD compares: Non-Finnish European, 0.00085%; no homozygotes.

Submissions (3):

Ambry Genetics
Classification: Uncertain significance for Hereditary cancer-predisposing syndrome. Last evaluated: 2026-01-08. Review status: criteria provided, single submitter. Criteria: Ambry Variant Classification Scheme 2023. Collection method: clinical testing. Allele origin: germline.
Comment: The p.V411A variant (also known as c.1232T>C), located in coding exon 13 of the POLE gene, results from a T to C substitution at nucleotide position 1232. The valine at codon 411 is replaced by alanine, an amino acid with similar properties. This amino acid position is highly conserved in available vertebrate species. In addition, the in silico prediction for this alteration is inconclusive. Based on the available evidence, the clinical significance of this variant remains unclear.

Baylor Genetics
Classification: Uncertain significance for Colorectal cancer, susceptibility to, 12. Last evaluated: 2023-12-02. Review status: criteria provided, single submitter. Criteria: ACMG Guidelines, 2015. Collection method: clinical testing. Allele origin: unknown.

Labcorp Genetics (formerly Invitae), Labcorp
Classification: Uncertain significance. Last evaluated: 2023-09-03. Review status: criteria provided, single submitter. Criteria: Invitae Variant Classification Sherloc (09022015). Collection method: clinical testing. Allele origin: germline.
Comment: In summary, the available evidence is currently insufficient to determine the role of this variant in disease. Therefore, it has been classified as a Variant of Uncertain Significance. Advanced modeling of protein sequence and biophysical properties (such as structural, functional, and spatial information, amino acid conservation, physicochemical variation, residue mobility, and thermodynamic stability) performed at Invitae indicates that this missense variant is expected to disrupt POLE protein function. ClinVar contains an entry for this variant (Variation ID: 405643). This variant has not been reported in the literature in individuals affected with POLE-related conditions. This variant is not present in population databases (gnomAD no frequency). This sequence change replaces valine, which is neutral and non-polar, with alanine, which is neutral and non-polar, at codon 411 of the POLE protein (p.Val411Ala).